The following is an entry in ClinVar:

ClinVar aggregate classification (germline): Benign (1 of 4 stars; one submission).

Conditions:
Leigh syndrome (NULS). Also called: Leigh's necrotizing encephalopathy; Leigh's disease; Leigh Syndrome (mtDNA deletion); Leigh Disease; Subacute necrotizing encephalopathy; Necrotizing encephalopathy infantile subacute of Leigh. Identifiers: Orphanet 506, MedGen C2931891, MONDO:0009723, OMIM 256000.

Submission:

Wong Mito Lab, Molecular and Human Genetics, Baylor College of Medicine
Classification: Benign for Leigh syndrome. Last evaluated: 2019-10-17. Review status: criteria provided, single submitter. Criteria: Modified ACMG Guidelines (Unpublished). Collection method: clinical testing. Allele origin: germline.
Comment: The NC_012920.1:m.8866A>G (YP_003024031.1:p.Ile114Val) variant in MTATP6 gene is interpretated to be a Benign variant based on the modified ACMG guidelines (unpublished). This variant meets the following evidence codes: BS1, BS4, BP4

NC_012920.1(MT-ATP6):m.8866A>G

Gene: MT-ATP6 (mitochondrially encoded ATP synthase 6; plus strand).
Variant type: single nucleotide variant.
Genome position: chrM-8866-A-G.
Identifiers: ClinVar variation 693007 (VCV000693007.1), dbSNP rs1603221856, ClinGen allele CA414798579.